The following is an entry in ClinVar:

ClinVar aggregate classification (germline): Uncertain significance (1 of 4 stars; one submission).

Allele frequency attached by ClinVar (database versions not stated): gnomAD exomes 0.00001; TOPMed 0.00001.
gnomAD v4.1: 11 of 1,614,062 alleles (0.00068%); highest among the groups gnomAD compares: Non-Finnish European, 0.00093%; no homozygotes.

Submission:

Labcorp Genetics (formerly Invitae), Labcorp
Classification: Uncertain significance. Last evaluated: 2023-03-17. Review status: criteria provided, single submitter. Criteria: Invitae Variant Classification Sherloc (09022015). Collection method: clinical testing. Allele origin: germline.
Comment: This variant has not been reported in the literature in individuals affected with EPB41-related conditions. In summary, the available evidence is currently insufficient to determine the role of this variant in disease. Therefore, it has been classified as a Variant of Uncertain Significance. Algorithms developed to predict the effect of sequence changes on RNA splicing suggest that this variant may create or strengthen a splice site. This variant is present in population databases (no rsID available, gnomAD 0.0009%). This sequence change falls in intron 5 of the EPB41 gene. It does not directly change the encoded amino acid sequence of the EPB41 protein.

NM_001376013.1(EPB41):c.787-11C>T

Gene: EPB41 (erythrocyte membrane protein band 4.1; plus strand). Cytogenetic location: 1p35.3.
Variant type: single nucleotide variant.
Coding change: c.787-11C>T on transcript NM_001376013.1 (MANE Select); 11 bases into the intron before coding-DNA position 787, C replaced by T.
Molecular consequence: intron variant.
Genome position (GRCh38, 1-based): chr1:29,011,854, C>T. VCF-style: chr1-29011854-C-T. GRCh37 (hg19) VCF-style: chr1-29338366-C-T.
Other names: c.160-11C>T (NM_203342.3, NM_004437.4, NM_001376022.1 and 7 more transcripts); c.787-11C>T (NM_001166005.2, NM_001376014.1, NM_001376015.1 and 7 more transcripts); c.682-11C>T (NM_203343.3).
Identifiers: ClinVar variation 2806543 (VCV002806543.3), dbSNP rs1250392277, ClinGen allele CA522083004.